The following is an entry in ClinVar:

NM_001009944.3(PKD1):c.872C>T (p.Ala291Val)

Gene: PKD1 (polycystin 1, transient receptor potential channel interacting; minus strand). Cytogenetic location: 16p13.3.
Variant type: single nucleotide variant.
Coding change: c.872C>T on transcript NM_001009944.3 (MANE Select); coding-DNA position 872, C replaced by T.
Protein change: p.Ala291Val; replaces alanine 291 with valine.
Molecular consequence: missense variant.
Genome position (GRCh38, 1-based): chr16:2,118,120, G>A on the plus strand (C>T on the coding strand, the complement: PKD1 is on the minus strand). VCF-style: chr16-2118120-G-A. GRCh37 (hg19) VCF-style: chr16-2168121-G-A.
Other names: c.872C>T, p.Ala291Val (NM_000296.4); short protein forms A291V.
Identifiers: ClinVar variation 4847299 (VCV004847299.1).

ClinVar aggregate classification (germline): Uncertain significance (1 of 4 stars; one submission).

Submission:

Women's Health and Genetics/Laboratory Corporation of America, LabCorp
Classification: Uncertain significance. Last evaluated: 2026-03-12. Review status: criteria provided, single submitter. Criteria: LabCorp Variant Classification Summary - May 2015. Collection method: clinical testing. Allele origin: germline.
Comment: Variant summary: PKD1 c.872C>T (p.Ala291Val) results in a non-conservative amino acid change in the encoded protein sequence. Algorithms developed to predict the effect of missense changes on protein structure and function are either unavailable or do not agree on the potential impact of this missense change. The variant was absent in 220366 control chromosomes. The available data on variant occurrences in the general population are insufficient to allow any conclusion about variant significance. To our knowledge, no occurrence of c.872C>T in individuals affected with PKD1-related conditions and no experimental evidence demonstrating its impact on protein function have been reported. No submitters have cited clinical-significance assessments for this variant to ClinVar. Based on the evidence outlined above, the variant was classified as uncertain significance.